The following is an entry in ClinVar:

NM_001367624.2(ZNF469):c.7717C>G (p.Leu2573Val)

Gene: ZNF469 (zinc finger protein 469; plus strand). Cytogenetic location: 16q24.2.
Variant type: single nucleotide variant.
Coding change: c.7717C>G on transcript NM_001367624.2 (MANE Select); coding-DNA position 7717, C replaced by G.
Protein change: p.Leu2573Val; replaces leucine 2573 with valine.
Molecular consequence: missense variant.
Genome position (GRCh38, 1-based): chr16:88,435,187, C>G. VCF-style: chr16-88435187-C-G. GRCh37 (hg19) VCF-style: chr16-88501595-C-G.
Other names: short protein forms L2573V.
Identifiers: ClinVar variation 2091517 (VCV002091517.4), dbSNP rs2507597318, ClinGen allele CA397114363.

ClinVar aggregate classification (germline): Uncertain significance (1 of 4 stars; one submission).

Submission:

Labcorp Genetics (formerly Invitae), Labcorp
Classification: Uncertain significance. Last evaluated: 2023-05-22. Review status: criteria provided, single submitter. Criteria: Invitae Variant Classification Sherloc (09022015). Collection method: clinical testing. Allele origin: germline.
Comment: This sequence change replaces leucine, which is neutral and non-polar, with valine, which is neutral and non-polar, at codon 2545 of the ZNF469 protein (p.Leu2545Val). This variant is not present in population databases (gnomAD no frequency). This variant has not been reported in the literature in individuals affected with ZNF469-related conditions. ClinVar contains an entry for this variant (Variation ID: 2091517). An algorithm developed to predict the effect of missense changes on protein structure and function (PolyPhen-2) suggests that this variant is likely to be tolerated. In summary, the available evidence is currently insufficient to determine the role of this variant in disease. Therefore, it has been classified as a Variant of Uncertain Significance.